The following is an entry in ClinVar:

ClinVar aggregate classification (germline): Uncertain significance (1 of 4 stars; one submission).

Conditions:
Muscular dystrophy-dystroglycanopathy (congenital with brain and eye anomalies), type a, 11 (MDDGA11). Also called: WALKER-WARBURG SYNDROME OR MUSCLE-EYE-BRAIN DISEASE, B3GALNT2-RELATED; Congenital muscular dystrophy-dystroglycanopathy with brain and eye anomalies, type A11; Muscular dystrophy-dystroglycanopathy (congenital with brain and eye anomalies, type A, 11. Identifiers: Orphanet 588, Orphanet 899, MedGen C3554638, MONDO:0014071, OMIM 615181.

Allele frequency attached by ClinVar (database versions not stated): ExAC 0.00001; TOPMed 0.00002; gnomAD 0.00003; gnomAD exomes 0.00003; ESP Exome Variant Server 0.00008.

Submission:

Labcorp Genetics (formerly Invitae), Labcorp
Classification: Uncertain significance for Muscular dystrophy-dystroglycanopathy (congenital with brain and eye anomalies), type a, 11. Last evaluated: 2024-08-14. Review status: criteria provided, single submitter. Criteria: Invitae Variant Classification Sherloc (09022015). Collection method: clinical testing. Allele origin: germline.
Comment: This sequence change replaces tryptophan, which is neutral and slightly polar, with cysteine, which is neutral and slightly polar, at codon 342 of the B3GALNT2 protein (p.Trp342Cys). This variant is present in population databases (rs143992465, gnomAD 0.005%). This variant has not been reported in the literature in individuals affected with B3GALNT2-related conditions. ClinVar contains an entry for this variant (Variation ID: 2070943). An algorithm developed to predict the effect of missense changes on protein structure and function (PolyPhen-2) suggests that this variant¬†is likely to be tolerated. In summary, the available evidence is currently insufficient to determine the role of this variant in disease. Therefore, it has been classified as a Variant of Uncertain Significance.

NM_152490.5(B3GALNT2):c.1026G>T (p.Trp342Cys)

Gene: B3GALNT2 (beta-1,3-N-acetylgalactosaminyltransferase 2; minus strand). Cytogenetic location: 1q42.3.
Variant type: single nucleotide variant.
Coding change: c.1026G>T on transcript NM_152490.5 (MANE Select); coding-DNA position 1026, G replaced by T.
Protein change: p.Trp342Cys; replaces tryptophan 342 with cysteine.
Molecular consequence: missense variant.
Genome position (GRCh38, 1-based): chr1:235,455,684, C>A on the plus strand (G>T on the coding strand, the complement: B3GALNT2 is on the minus strand). VCF-style: chr1-235455684-C-A. GRCh37 (hg19) VCF-style: chr1-235618996-C-A.
Other names: short protein forms W342C.
Identifiers: ClinVar variation 2070943 (VCV002070943.2), dbSNP rs143992465, ClinGen allele CA1464710.